The following is an entry in ClinVar:

ClinVar aggregate classification (germline): Likely benign (1 of 4 stars; one submission).

Allele frequency attached by ClinVar (database versions not stated): ExAC 0.00024.

Submission:

CeGaT Center for Human Genetics Tuebingen
Classification: Likely benign. Last evaluated: 2023-09-01. Review status: criteria provided, single submitter. Criteria: CeGaT Center For Human Genetics Tuebingen Variant Classification Criteria Version 2. Collection method: clinical testing. Allele origin: germline. Affected: yes. Observed: 1 variant allele.
Comment: NBPF1: BP4, BP7

NM_001405666.3(NBPF1):c.1347G>A (p.Glu449=)

Gene: NBPF1 (NBPF member 1). Cytogenetic location: 1p36.13.
Variant type: single nucleotide variant.
Coding change: c.1347G>A on transcript NM_001405666.3 (MANE Select); coding-DNA position 1347, G replaced by A.
Protein change: p.Glu449=; no amino-acid change (glutamic acid 449 retained).
Molecular consequence: synonymous variant. On other transcripts: intron variant (4).
Genome position (GRCh38, 1-based): chr1:16,581,452, C>T on the plus strand (G>A on the coding strand, the complement: NBPF1 is on the minus strand). VCF-style: chr1-16581452-C-T. GRCh37 (hg19) VCF-style: chr1-16907947-C-T.
Other names: c.1347G>A, p.Glu449= (NM_001405667.2, NM_001405668.2, NM_001405669.2 and 24 more transcripts); c.1029G>A, p.Glu343= (NM_001405699.2); c.278+2142G>A (NM_001405701.2); c.1091+2142G>A (NM_001405700.2, NM_001405679.2, NM_001405697.2).
Identifiers: ClinVar variation 2638363 (VCV002638363.23), dbSNP rs16849894, ClinGen allele CA630103.